The following is an entry in ClinVar:

NM_001323289.2(CDKL5):c.7A>T (p.Ile3Phe)

Gene: CDKL5 (cyclin dependent kinase like 5; plus strand). Cytogenetic location: Xp22.13.
Variant type: single nucleotide variant.
Coding change: c.7A>T on transcript NM_001323289.2 (MANE Select); coding-DNA position 7, A replaced by T.
Protein change: p.Ile3Phe; replaces isoleucine 3 with phenylalanine.
Molecular consequence: missense variant.
Genome position (GRCh38, 1-based): chrX:18,507,103, A>T. VCF-style: chrX-18507103-A-T. GRCh37 (hg19) VCF-style: chrX-18525223-A-T.
Other names: c.7A>T, p.Ile3Phe (NM_001037343.2, NM_003159.3); short protein forms I3F.
Identifiers: ClinVar variation 408122 (VCV000408122.9), dbSNP rs138539908, ClinGen allele CA10360168.

ClinVar aggregate classification (germline): Uncertain significance (1 of 4 stars; one submission).

Conditions:
Developmental and epileptic encephalopathy, 2 (DEE2). Also called: INFANTILE SPASM SYNDROME, X-LINKED 2; CDKL5 deficiency disorder. Identifiers: Orphanet 1934, Orphanet 3451, Orphanet 505652, MedGen C4750718, MONDO:0010396, OMIM 300672.
Angelman syndrome-like. Identifiers: MedGen CN128785.

Allele frequency attached by ClinVar (database versions not stated): 1000 Genomes Project 30x 0.00021; 1000 Genomes Project 0.00026; TOPMed below 0.00001; ExAC 0.00001; gnomAD 0.00001 and 0.00002; gnomAD exomes 0.00001.
gnomAD v4.1: 11 of 1,194,152 alleles (0.00092%); highest among the groups gnomAD compares: East Asian, 0.003%; no homozygotes.

Submission:

Labcorp Genetics (formerly Invitae), Labcorp
Classification: Uncertain significance for Developmental and epileptic encephalopathy, 2; Angelman syndrome-like. Last evaluated: 2016-06-21. Review status: criteria provided, single submitter. Criteria: Invitae Variant Classification Sherloc (09022015). Collection method: clinical testing. Allele origin: germline.
Comment: In summary, this variant is a rare missense change with uncertain impact on protein function. There is no indication that it causes disease, but the available evidence is currently insufficient to prove that conclusively. Therefore, it has been classified as a Variant of Uncertain Significance. Algorithms developed to predict the effect of missense changes on protein structure and function do not agree on the potential impact of this missense change (SIFT: "Deleterious"; PolyPhen-2: "Benign"; Align-GVGD: "Class C0"). This variant is present in population databases (rs138539908, ExAC 0.02%) but has not been reported in the literature in individuals with a CDKL5-related disease. This sequence change replaces isoleucine with phenylalanine at codon 3 of the CDKL5 protein (p.Ile3Phe). The isoleucine residue is moderately conserved and there is a small physicochemical difference between isoleucine and phenylalanine.